The following is an entry in ClinVar:

ClinVar aggregate classification (germline): Uncertain significance. Review status: criteria provided, multiple submitters, no conflicts (2 of 4 stars). 2 submissions from 2 submitters: Uncertain significance (2). Last evaluated 2025-03-19.

Submissions (2):

Mayo Clinic Laboratories, Mayo Clinic
Classification: Uncertain significance. Last evaluated: 2025-03-19. Review status: criteria provided, single submitter. Criteria: ACMG Guidelines, 2015. Collection method: clinical testing. Allele origin: germline. Observed: 1 variant allele.
Comment: PP3, PM2_supporting

Labcorp Genetics (formerly Invitae), Labcorp
Classification: Uncertain significance. Last evaluated: 2023-04-22. Review status: criteria provided, single submitter. Criteria: Invitae Variant Classification Sherloc (09022015). Collection method: clinical testing. Allele origin: germline.
Comment: In summary, the available evidence is currently insufficient to determine the role of this variant in disease. Therefore, it has been classified as a Variant of Uncertain Significance. Variants that disrupt the consensus splice site are a relatively common cause of aberrant splicing (PMID: 17576681, 9536098). Algorithms developed to predict the effect of sequence changes on RNA splicing suggest that this variant may create or strengthen a splice site. This sequence change falls in intron 8 of the ANK1 gene. It does not directly change the encoded amino acid sequence of the ANK1 protein. It affects a nucleotide within the consensus splice site. This variant has been observed in individual(s) with hereditary spherocytosis (PMID: 30486584). This variant is not present in population databases (gnomAD no frequency).

Literature cited by the submitters: PubMed 17576681 (cited by Labcorp Genetics (formerly Invitae), Labcorp); PubMed 9536098 (cited by Labcorp Genetics (formerly Invitae), Labcorp); PubMed 30486584 (cited by Labcorp Genetics (formerly Invitae), Labcorp).

NM_000037.4(ANK1):c.810+5G>A

Gene: ANK1 (ankyrin 1; minus strand). Cytogenetic location: 8p11.21.
Variant type: single nucleotide variant.
Coding change: c.810+5G>A on transcript NM_000037.4 (MANE Select); 5 bases into the intron after coding-DNA position 810, G replaced by A.
Molecular consequence: intron variant.
Genome position (GRCh38, 1-based): chr8:41,723,530, C>T on the plus strand (G>A on the coding strand, the complement: ANK1 is on the minus strand). VCF-style: chr8-41723530-C-T. GRCh37 (hg19) VCF-style: chr8-41581048-C-T.
Other names: p.?; c.909+5G>A (NM_001142446.2); c.810+5G>A (NM_020477.3, NM_020475.3, NM_020476.3).
Identifiers: ClinVar variation 2915440 (VCV002915440.4), dbSNP rs2486966518, ClinGen allele CA2695209347.